The following is an entry in ClinVar:

NM_020937.4(FANCM):c.4582T>G (p.Ser1528Ala)

Gene: FANCM (FA complementation group M; plus strand). Cytogenetic location: 14q21.2.
Variant type: single nucleotide variant.
Coding change: c.4582T>G on transcript NM_020937.4 (MANE Select); coding-DNA position 4582, T replaced by G.
Protein change: p.Ser1528Ala; replaces serine 1528 with alanine.
Molecular consequence: missense variant.
Genome position (GRCh38, 1-based): chr14:45,185,283, T>G. VCF-style: chr14-45185283-T-G. GRCh37 (hg19) VCF-style: chr14-45654486-T-G.
Other names: c.4504T>G, p.Ser1502Ala (NM_001308133.2); short protein forms S1528A, S1502A.
Identifiers: ClinVar variation 941256 (VCV000941256.9), dbSNP rs1889328561, ClinGen allele CA389608209.

ClinVar aggregate classification (germline): Uncertain significance (1 of 4 stars; one submission).

Conditions:
Fanconi anemia (FA). Also called: Fanconi's anemia. Identifiers: Orphanet 84, MedGen C0015625, MeSH D005199, MONDO:0019391.

Submission:

Labcorp Genetics (formerly Invitae), Labcorp
Classification: Uncertain significance for Fanconi anemia. Last evaluated: 2019-09-23. Review status: criteria provided, single submitter. Criteria: Invitae Variant Classification Sherloc (09022015). Collection method: clinical testing. Allele origin: germline.
Comment: In summary, the available evidence is currently insufficient to determine the role of this variant in disease. Therefore, it has been classified as a Variant of Uncertain Significance. Algorithms developed to predict the effect of missense changes on protein structure and function (SIFT, PolyPhen-2, Align-GVGD) all suggest that this variant is likely to be tolerated, but these predictions have not been confirmed by published functional studies and their clinical significance is uncertain. This variant has not been reported in the literature in individuals with FANCM-related conditions. This variant is not present in population databases (ExAC no frequency). This sequence change replaces serine with alanine at codon 1528 of the FANCM protein (p.Ser1528Ala). The serine residue is moderately conserved and there is a moderate physicochemical difference between serine and alanine.